The following is an entry in ClinVar:

ClinVar aggregate classification (germline): Uncertain significance (1 of 4 stars; one submission).

Submission:

GeneDx
Classification: Uncertain significance. Last evaluated: 2026-02-03. Review status: criteria provided, single submitter. Criteria: GeneDx Variant Classification Process June 2021. Collection method: clinical testing. Allele origin: germline.
Comment: Not observed at significant frequency in large population cohorts (gnomAD); In silico analysis suggests that this missense variant does not alter protein structure/function; Has not been previously published as pathogenic or benign to our knowledge

NM_001330078.2(NRXN1):c.1613T>C (p.Val538Ala)

Gene: NRXN1 (neurexin 1; minus strand). Cytogenetic location: 2p16.3.
Variant type: single nucleotide variant.
Coding change: c.1613T>C on transcript NM_001330078.2 (MANE Select); coding-DNA position 1613, T replaced by C.
Protein change: p.Val538Ala; replaces valine 538 with alanine.
Molecular consequence: missense variant.
Genome position (GRCh38, 1-based): chr2:50,552,733, A>G on the plus strand (T>C on the coding strand, the complement: NRXN1 is on the minus strand). VCF-style: chr2-50552733-A-G. GRCh37 (hg19) VCF-style: chr2-50779871-A-G.
Other names: c.1733T>C, p.Val578Ala (NM_001135659.3); c.1589T>C, p.Val530Ala (NM_001330077.2, NM_001330082.2, NM_001330095.2); c.1574T>C, p.Val525Ala (NM_001330083.2, NM_001330084.2); c.1613T>C, p.Val538Ala (NM_001330085.2, NM_001330086.2, NM_004801.6); c.1529T>C, p.Val510Ala (NM_001330087.2, NM_001330096.2); c.1559T>C, p.Val520Ala (NM_001330088.2); c.1610T>C, p.Val537Ala (NM_001330093.2); c.1601T>C, p.Val534Ala (NM_001330094.2); short protein forms V510A, V520A, V525A, V530A, V534A, V537A, V538A, V578A.
Identifiers: ClinVar variation 4975983 (VCV004975983.1).